The following is an entry in ClinVar:

ClinVar aggregate classification (germline): Uncertain significance. Review status: criteria provided, single submitter (1 of 4 stars). 2 submissions from 2 submitters: Uncertain significance (1). 1 of the submissions does not count toward it. Last evaluated 2025-11-19.

Conditions:
HSD3B7-related disorder. Also called: HSD3B7-related condition.

Submissions (2):

Labcorp Genetics (formerly Invitae), Labcorp
Classification: Uncertain significance. Last evaluated: 2025-11-19. Review status: criteria provided, single submitter. Criteria: Invitae Variant Classification Sherloc (09022015). Collection method: clinical testing. Allele origin: germline.
Comment: This sequence change affects a splice site in intron 6 of the HSD3B7 gene. While this variant is not anticipated to result in nonsense mediated decay, it likely alters RNA splicing and results in a disrupted protein product. This variant is not present in population databases (gnomAD no frequency). This variant has not been reported in the literature in individuals affected with HSD3B7-related conditions. ClinVar contains an entry for this variant (Variation ID: 3344787). Variants that disrupt the consensus splice site are a relatively common cause of aberrant splicing (PMID: 17576681, 9536098). Algorithms developed to predict the effect of sequence changes on RNA splicing suggest that this variant may disrupt the consensus splice site. In summary, the available evidence is currently insufficient to determine the role of this variant in disease. Therefore, it has been classified as a Variant of Uncertain Significance.

PreventionGenetics, part of Exact Sciences
Classification: Likely pathogenic for HSD3B7-related condition. Last evaluated: 2024-04-18. Review status: no assertion criteria provided. Collection method: clinical testing. Allele origin: germline. Not counted in ClinVar's aggregate classification.
Comment: The HSD3B7 c.694+2_694+12del11 variant is predicted to result in a deletion affecting a canonical splice site. This variant disrupts the consensus splice site based on splicing prediction tools (SpliceAI, Jaganathan K, et al. 2019. PubMed ID: 30661751). To our knowledge, this variant has not been reported in the literature or in a large population database, indicating this variant is rare. Of note another variant impacting this consensus splice site (c.694+2T>C) has been documented in the compound heterozygous state in a patient with HSD3B7-deficiency (Zhao et al. 2021. PubMed ID: 34627351). Based on this evidence the c.694+2_694+12del11 variant is interpreted as likely pathogenic.

Literature cited by the submitters: PubMed 17576681 (cited by Labcorp Genetics (formerly Invitae), Labcorp); PubMed 9536098 (cited by Labcorp Genetics (formerly Invitae), Labcorp).

NM_025193.4(HSD3B7):c.694+2_694+12del

Gene: HSD3B7 (hydroxy-delta-5-steroid dehydrogenase, 3 beta- and steroid delta-isomerase 7; plus strand). Cytogenetic location: 16p11.2.
Variant type: Deletion.
Coding change: c.694+2_694+12del on transcript NM_025193.4 (MANE Select); the canonical splice donor site of the intron after coding-DNA position 694 through 12 bases into the intron after coding-DNA position 694, 11 bases deleted (TGAGGACTGGG).
Molecular consequence: splice donor variant. On other transcripts: intron variant (2).
Genome position (GRCh38, 1-based): chr16:30,987,004-30,987,014, TGAGGACTGGG deleted; deleting any 11 consecutive bases within chr16:30,987,000-30,987,014 gives the same sequence; the c. name uses the placement nearest the transcript's 3' end. VCF-style (leftmost placement, unchanged base first): chr16-30986999-GTGGGTGAGGAC-G. GRCh37 (hg19) VCF-style: chr16-30998320-GTGGGTGAGGAC-G.
Other names: c.531+300_531+310del (NM_001142777.2, NM_001142778.2).
Identifiers: ClinVar variation 3344787 (VCV003344787.2).